The following is an entry in ClinVar:

NM_024675.4(PALB2):c.2891_2892delinsTT (p.Gly964Val)

Gene: PALB2 (partner and localizer of BRCA2; minus strand). Cytogenetic location: 16p12.2.
Variant type: Indel.
Coding change: c.2891_2892delinsTT on transcript NM_024675.4 (MANE Select); coding-DNA positions 2891 to 2892, GA replaced by TT.
Protein change: p.Gly964Val; replaces glycine 964 with valine.
Molecular consequence: missense variant. On other transcripts: intron variant (1).
Genome position (GRCh38, 1-based): chr16:23,623,073-23,623,074, TC replaced by AA on the plus strand (GA replaced by TT on the coding strand, the reverse complement: PALB2 is on the minus strand). VCF-style: chr16-23623073-TC-AA. GRCh37 (hg19) VCF-style: chr16-23634394-TC-AA.
Other names: c.2831_2832delinsTT, p.Gly944Val (NM_001407296.1); c.2819_2820delinsTT, p.Gly940Val (NM_001407297.1); c.2729_2730delinsTT, p.Gly910Val (NM_001407298.1, NM_001407302.1); c.2891_2892delinsTT, p.Gly964Val (NM_001407299.1, NM_001407301.1); c.2006_2007delinsTT, p.Gly669Val (NM_001407304.1, NM_001407305.1, NM_001407306.1 and 4 more transcripts); c.1844_1845delinsTT, p.Gly615Val (NM_001407307.1); c.1103_1104delinsTT, p.Gly368Val (NM_001407312.1, NM_001407313.1); c.425_426delinsTT, p.Gly142Val (NM_001407314.1); and 1 more; short protein forms G669V, G615V, G940V, G944V, G368V, G910V, G964V, G142V.
Identifiers: ClinVar variation 3715328 (VCV003715328.2).
Genomic context (GRCh38, chr16:23,623,073, plus strand): 5'-AAGGGTCCCACTGCTACTAACTAGCCTCCTCTTTGTCAGGCCAAGCACAGCTTTTATATT[TC>AA]CAGACTTCAGTAGTACTTGCTTTTCACTTTCATCATCAGAGGAACAAAACAATGCCCTAA-3'
Protein context (NP_078951.2, residues 954-974): ESEKQVLLKS[Gly964Val]NIKAVLGLTK

ClinVar aggregate classification (germline): Uncertain significance (1 of 4 stars; one submission).

Conditions:
Familial cancer of breast. Also called: Hereditary breast cancer; BREAST CANCER, FAMILIAL; hereditary breast carcinoma. Identifiers: Orphanet 227535, MedGen C0346153, MONDO:0016419, OMIM 114480. Disease mechanism: loss of function.

Submission:

Labcorp Genetics (formerly Invitae), Labcorp
Classification: Uncertain significance for Familial cancer of breast. Last evaluated: 2024-07-23. Review status: criteria provided, single submitter. Criteria: Invitae Variant Classification Sherloc (09022015). Collection method: clinical testing. Allele origin: germline.
Comment: This sequence change replaces glycine, which is neutral and non-polar, with valine, which is neutral and non-polar, at codon 964 of the PALB2 protein (p.Gly964Val). Information on the frequency of this variant in the gnomAD database is not available, as this variant may be reported differently in the database. This variant has not been reported in the literature in individuals affected with PALB2-related conditions. An algorithm developed to predict the effect of missense changes on protein structure and function (PolyPhen-2) suggests that this variant is likely to be disruptive. In summary, the available evidence is currently insufficient to determine the role of this variant in disease. Therefore, it has been classified as a Variant of Uncertain Significance.